The following is an entry in ClinVar:

ClinVar aggregate classification (germline): Uncertain significance (1 of 4 stars; one submission).

gnomAD v4.1: 1 of 1,613,960 alleles (0.000062%); highest among the groups gnomAD compares: African/African-American, 0.0013%; no homozygotes.

Submission:

Ambry Genetics
Classification: Uncertain significance. Last evaluated: 2026-06-05. Review status: criteria provided, single submitter. Criteria: Ambry Variant Classification Scheme 2023. Collection method: clinical testing. Allele origin: germline.
Comment: The p.L627F variant (also known as c.1881G>T), located in coding exon 2 of the CDK12 gene, results from a G to T substitution at nucleotide position 1881. The leucine at codon 627 is replaced by phenylalanine, an amino acid with highly similar properties. This amino acid position is conserved. In addition, the in silico prediction for this alteration is inconclusive. Based on the available evidence, the clinical significance of this variant remains unclear.

NM_016507.4(CDK12):c.1881G>T (p.Leu627Phe)

Gene: CDK12 (cyclin dependent kinase 12; plus strand). Cytogenetic location: 17q12.
Variant type: single nucleotide variant.
Coding change: c.1881G>T on transcript NM_016507.4 (MANE Select); coding-DNA position 1881, G replaced by T.
Protein change: p.Leu627Phe; replaces leucine 627 with phenylalanine.
Molecular consequence: missense variant.
Genome position (GRCh38, 1-based): chr17:39,471,713, G>T. VCF-style: chr17-39471713-G-T. GRCh37 (hg19) VCF-style: chr17-37627966-G-T.
Other names: c.1881G>T, p.Leu627Phe (NM_015083.4); short protein forms L627F.
Identifiers: ClinVar variation 4868574 (VCV004868574.1).